The following is an entry in ClinVar:

ClinVar aggregate classification (germline): Uncertain significance (1 of 4 stars; one submission).

Conditions:
Parathyroid carcinoma (PRTC). Also called: CDC73-Related Parathyroid Carcinoma; Parathyroid gland carcinoma. Identifiers: Orphanet 143, MedGen C0687150, MONDO:0012004, OMIM 608266, HP:0006780.

Submission:

Labcorp Genetics (formerly Invitae), Labcorp
Classification: Uncertain significance for Parathyroid carcinoma. Last evaluated: 2023-01-21. Review status: criteria provided, single submitter. Criteria: Invitae Variant Classification Sherloc (09022015). Collection method: clinical testing. Allele origin: germline.
Comment: Advanced modeling of protein sequence and biophysical properties (such as structural, functional, and spatial information, amino acid conservation, physicochemical variation, residue mobility, and thermodynamic stability) performed at Invitae indicates that this missense variant is not expected to disrupt CDC73 protein function. In summary, the available evidence is currently insufficient to determine the role of this variant in disease. Therefore, it has been classified as a Variant of Uncertain Significance. This variant has not been reported in the literature in individuals affected with CDC73-related conditions. This sequence change replaces threonine, which is neutral and polar, with lysine, which is basic and polar, at codon 517 of the CDC73 protein (p.Thr517Lys). This variant is not present in population databases (gnomAD no frequency).

NM_024529.5(CDC73):c.1550C>A (p.Thr517Lys)

Gene: CDC73 (cell division cycle 73; plus strand). Cytogenetic location: 1q31.2.
Variant type: single nucleotide variant.
Coding change: c.1550C>A on transcript NM_024529.5 (MANE Select); coding-DNA position 1550, C replaced by A.
Protein change: p.Thr517Lys; replaces threonine 517 with lysine.
Molecular consequence: missense variant.
Genome position (GRCh38, 1-based): chr1:193,249,862, C>A. VCF-style: chr1-193249862-C-A. GRCh37 (hg19) VCF-style: chr1-193218992-C-A.
Other names: short protein forms T517K.
Identifiers: ClinVar variation 2830878 (VCV002830878.3), dbSNP rs1678017409, ClinGen allele CA344078641.